The following is an entry in ClinVar:

NM_006939.4(SOS2):c.1263T>C (p.Asn421=)

Gene: SOS2 (SOS Ras/Rho guanine nucleotide exchange factor 2; minus strand). Cytogenetic location: 14q21.3.
Variant type: single nucleotide variant.
Coding change: c.1263T>C on transcript NM_006939.4 (MANE Select); coding-DNA position 1263, T replaced by C.
Protein change: p.Asn421=; no amino-acid change (asparagine 421 retained).
Molecular consequence: synonymous variant.
Genome position (GRCh38, 1-based): chr14:50,160,020, A>G on the plus strand (T>C on the coding strand, the complement: SOS2 is on the minus strand). VCF-style: chr14-50160020-A-G. GRCh37 (hg19) VCF-style: chr14-50626738-A-G.
Identifiers: ClinVar variation 706339 (VCV000706339.29), dbSNP rs369267864, ClinGen allele CA7177302.
Genomic context (GRCh38, chr14:50,160,020, plus strand): 5'-TTCATTACAACACTGTCCAATATCTTTGCCTTCCCATCCATCGATATTTTTCTGAATTTC[A>G]TTCATTTTTTTGATAGCCAGGTGTTTGCTTCTTAATTGGTGACTATAAAAAGGGCAAACA-3'
Protein context (NP_008870.2, residues 411-431): RSKHLAIKKM[Asn421=]EIQKNIDGWE

ClinVar aggregate classification (germline): Benign/Likely benign. Review status: criteria provided, multiple submitters, no conflicts (2 of 4 stars). 7 submissions from 7 submitters: Benign (3); Likely benign (4). Last evaluated 2025-12-15.

Conditions:
Noonan syndrome 9 (NS9). Identifiers: Orphanet 648, MedGen C4225282, MONDO:0014691, OMIM 616559.
Cardiovascular phenotype. Identifiers: MedGen CN230736.

Allele frequency attached by ClinVar (database versions not stated): gnomAD below 0.00001 and 0.00011; TOPMed 0.00003; gnomAD exomes 0.00025 and 0.00053; ExAC 0.00063; 1000 Genomes Project 30x 0.00078; 1000 Genomes Project 0.00080.
gnomAD v4.1: 386 of 1,614,068 alleles (0.024%); highest among the groups gnomAD compares: South Asian, 0.4%; 7 homozygotes.

Submissions (7):

Labcorp Genetics (formerly Invitae), Labcorp
Classification: Benign for Noonan syndrome 9. Last evaluated: 2025-12-15. Review status: criteria provided, single submitter. Criteria: Invitae Variant Classification Sherloc (09022015). Collection method: clinical testing. Allele origin: germline.

CeGaT Center for Human Genetics Tuebingen
Classification: Likely benign. Last evaluated: 2024-11-01. Review status: criteria provided, single submitter. Criteria: CeGaT Center For Human Genetics Tuebingen Variant Classification Criteria Version 2. Collection method: clinical testing. Allele origin: germline. Affected: yes. Observed: 1 variant allele.
Comment: SOS2: BP4, BP7, BS2

Blueprint Genetics
Classification: Likely benign. Last evaluated: 2024-07-11. Review status: criteria provided, single submitter. Criteria: ACMG Guidelines, 2015. Collection method: clinical testing. Allele origin: germline.

Ambry Genetics
Classification: Likely benign for Cardiovascular phenotype. Last evaluated: 2022-05-30. Review status: criteria provided, single submitter. Criteria: Ambry Variant Classification Scheme 2023. Collection method: clinical testing. Allele origin: germline.

Fulgent Genetics
Classification: Likely benign for Noonan syndrome 9. Last evaluated: 2021-09-21. Review status: criteria provided, single submitter. Criteria: ACMG Guidelines, 2015. Collection method: clinical testing. Allele origin: unknown.

Women's Health and Genetics/Laboratory Corporation of America, LabCorp
Classification: Benign. Last evaluated: 2021-06-07. Review status: criteria provided, single submitter. Criteria: LabCorp Variant Classification Summary - May 2015. Collection method: clinical testing. Allele origin: germline.

Genome-Nilou Lab
Classification: Benign for Noonan syndrome 9. Review status: criteria provided, single submitter. Criteria: ACMG Guidelines, 2015. Collection method: clinical testing. Allele origin: germline.